The following is an entry in ClinVar:

NM_001267550.2(TTN):c.43747+5G>C

Gene: TTN (titin; minus strand). Cytogenetic location: 2q31.2.
Variant type: single nucleotide variant.
Coding change: c.43747+5G>C on transcript NM_001267550.2 (MANE Select); 5 bases into the intron after coding-DNA position 43747, G replaced by C.
Molecular consequence: intron variant.
Genome position (GRCh38, 1-based): chr2:178,632,142, C>G on the plus strand (G>C on the coding strand, the complement: TTN is on the minus strand). VCF-style: chr2-178632142-C-G. GRCh37 (hg19) VCF-style: chr2-179496869-C-G.
Other names: c.38824+5G>C (NM_001256850.1); c.16552+5G>C (NM_003319.4); c.17128+5G>C (NM_133437.4); c.16927+5G>C (NM_133432.3); c.36043+5G>C (NM_133378.4).
Identifiers: ClinVar variation 238779 (VCV000238779.12), dbSNP rs878854308, ClinGen allele CA10581871.

ClinVar aggregate classification (germline): Uncertain significance. Review status: criteria provided, multiple submitters, no conflicts (2 of 4 stars). 4 submissions from 4 submitters: Uncertain significance (4). Last evaluated 2026-05-09.

Conditions:
TTN-related disorder. Also called: TTN-related condition; TTN-related disease; TTN-related disorders.
Cardiovascular phenotype. Identifiers: MedGen CN230736.
Autosomal recessive limb-girdle muscular dystrophy type 2J (LGMDR10). Also called: MUSCULAR DYSTROPHY, LIMB-GIRDLE, AUTOSOMAL RECESSIVE 10; Limb-girdle muscular dystrophy, type 2J. Identifiers: Orphanet 140922, MedGen C1837342, MONDO:0012127, OMIM 608807.
Dilated cardiomyopathy 1G (CMD1G). Identifiers: Orphanet 154, MedGen C1858763, MONDO:0011400, OMIM 604145.

Submissions (4):

PreventionGenetics, part of Exact Sciences
Classification: Uncertain significance for TTN-related condition. Last evaluated: 2026-05-09. Review status: criteria provided, single submitter. Criteria: ACMG Guidelines, 2015. Collection method: clinical testing. Allele origin: germline.
Comment: The TTN c.43747+5G>C variant is predicted to interfere with splicing. To our knowledge, this variant has not been reported in the literature or in a large population database (gnomAD), indicating this variant is rare. At this time, the clinical significance of this variant is uncertain due to the absence of conclusive functional and genetic evidence.

Ambry Genetics
Classification: Uncertain significance for Cardiovascular phenotype. Last evaluated: 2025-12-08. Review status: criteria provided, single submitter. Criteria: Ambry Variant Classification Scheme 2023. Collection method: clinical testing. Allele origin: germline.
Comment: The c.16552+5G>C intronic variant results from a G to C substitution 5 nucleotides after coding exon 63 in the TTN gene. This nucleotide position is highly conserved in available vertebrate species. In silico splice site analysis predicts that this alteration will not have any significant effect on splicing. Based on the available evidence, the clinical significance of this variant remains unclear.

Mayo Clinic Laboratories, Mayo Clinic
Classification: Uncertain significance. Last evaluated: 2020-12-21. Review status: criteria provided, single submitter. Criteria: ACMG Guidelines, 2015. Collection method: clinical testing. Allele origin: germline. Observed: 1 variant allele.

Labcorp Genetics (formerly Invitae), Labcorp
Classification: Uncertain significance for Dilated cardiomyopathy 1G; Autosomal recessive limb-girdle muscular dystrophy type 2J. Last evaluated: 2016-03-06. Review status: criteria provided, single submitter. Criteria: Invitae Variant Classification Sherloc (09022015). Collection method: clinical testing. Allele origin: germline.